The following is an entry in ClinVar:

ClinVar aggregate classification (germline): Uncertain significance (1 of 4 stars; one submission).

Conditions:
Inborn genetic diseases. Identifiers: MedGen C0950123, MeSH D030342.

Submission:

Ambry Genetics
Classification: Uncertain significance for Inborn genetic diseases. Last evaluated: 2025-06-23. Review status: criteria provided, single submitter. Criteria: Ambry Variant Classification Scheme 2023. Collection method: clinical testing. Allele origin: germline.
Comment: The p.V694A variant (also known as c.2081T>C), located in coding exon 13 of the NPC1 gene, results from a T to C substitution at nucleotide position 2081. The valine at codon 694 is replaced by alanine, an amino acid with similar properties. This amino acid position is conserved. In addition, this alteration is predicted to be deleterious by in silico analysis. Based on the available evidence, the clinical significance of this variant remains unclear.

NM_000271.5(NPC1):c.2081T>C (p.Val694Ala)

Gene: NPC1 (NPC intracellular cholesterol transporter 1; minus strand). Cytogenetic location: 18q11.2.
Variant type: single nucleotide variant.
Coding change: c.2081T>C on transcript NM_000271.5 (MANE Select); coding-DNA position 2081, T replaced by C.
Protein change: p.Val694Ala; replaces valine 694 with alanine.
Molecular consequence: missense variant.
Genome position (GRCh38, 1-based): chr18:23,544,393, A>G on the plus strand (T>C on the coding strand, the complement: NPC1 is on the minus strand). VCF-style: chr18-23544393-A-G. GRCh37 (hg19) VCF-style: chr18-21124357-A-G.
Other names: short protein forms V694A.
Identifiers: ClinVar variation 4122001 (VCV004122001.1).